The following is an entry in ClinVar:

ClinVar aggregate classification (germline): Uncertain significance (1 of 4 stars; one submission).

Conditions:
Epileptic encephalopathy. Identifiers: MedGen C0543888, HP:0200134.

Allele frequency attached by ClinVar (database versions not stated): gnomAD 0.00001; TOPMed 0.00001; gnomAD exomes 0.00002; ExAC 0.00006.

Submission:

Labcorp Genetics (formerly Invitae), Labcorp
Classification: Uncertain significance for Epileptic encephalopathy. Last evaluated: 2025-04-01. Review status: criteria provided, single submitter. Criteria: Invitae Variant Classification Sherloc (09022015). Collection method: clinical testing. Allele origin: germline.
Comment: This sequence change replaces alanine, which is neutral and non-polar, with threonine, which is neutral and polar, at codon 1310 of the FASN protein (p.Ala1310Thr). The frequency data for this variant in the population databases is considered unreliable, as metrics indicate poor data quality at this position in the gnomAD database. This variant has not been reported in the literature in individuals affected with FASN-related conditions. ClinVar contains an entry for this variant (Variation ID: 964689). An algorithm developed to predict the effect of missense changes on protein structure and function outputs the following: PolyPhen-2: "Benign". The threonine amino acid residue is found in multiple mammalian species, which suggests that this missense change does not adversely affect protein function. In summary, the available evidence is currently insufficient to determine the role of this variant in disease. Therefore, it has been classified as a Variant of Uncertain Significance.

NM_004104.5(FASN):c.3928G>A (p.Ala1310Thr)

Gene: FASN (fatty acid synthase; minus strand). Cytogenetic location: 17q25.3.
Variant type: single nucleotide variant.
Coding change: c.3928G>A on transcript NM_004104.5 (MANE Select); coding-DNA position 3928, G replaced by A.
Protein change: p.Ala1310Thr; replaces alanine 1310 with threonine.
Molecular consequence: missense variant.
Genome position (GRCh38, 1-based): chr17:82,085,676, C>T on the plus strand (G>A on the coding strand, the complement: FASN is on the minus strand). VCF-style: chr17-82085676-C-T. GRCh37 (hg19) VCF-style: chr17-80043552-C-T.
Other names: short protein forms A1310T.
Identifiers: ClinVar variation 964689 (VCV000964689.6), dbSNP rs764544865, ClinGen allele CA8852246.